The following is an entry in ClinVar:

ClinVar aggregate classification (germline): Uncertain significance (1 of 4 stars; one submission).

gnomAD v4.1: 1 of 1,612,484 alleles (0.000062%); highest among the groups gnomAD compares: Admixed American, 0.0017%; no homozygotes.

Submission:

Labcorp Genetics (formerly Invitae), Labcorp
Classification: Uncertain significance. Last evaluated: 2025-10-07. Review status: criteria provided, single submitter. Criteria: Invitae Variant Classification Sherloc (09022015). Collection method: clinical testing. Allele origin: germline.
Comment: This sequence change replaces proline, which is neutral and non-polar, with leucine, which is neutral and non-polar, at codon 917 of the TAOK2 protein (p.Pro917Leu). This variant is not present in population databases (gnomAD no frequency). This variant has not been reported in the literature in individuals affected with TAOK2-related conditions. ClinVar contains an entry for this variant (Variation ID: 1473094). An algorithm developed to predict the effect of missense changes on protein structure and function (PolyPhen-2) suggests that this variant is likely to be disruptive. In summary, the available evidence is currently insufficient to determine the role of this variant in disease. Therefore, it has been classified as a Variant of Uncertain Significance.

NM_016151.4(TAOK2):c.2750C>T (p.Pro917Leu)

Gene: TAOK2 (TAO kinase 2; plus strand). Cytogenetic location: 16p11.2.
Variant type: single nucleotide variant.
Coding change: c.2750C>T on transcript NM_016151.4 (MANE Select); coding-DNA position 2750, C replaced by T.
Protein change: p.Pro917Leu; replaces proline 917 with leucine.
Molecular consequence: missense variant. On other transcripts: intron variant (1).
Genome position (GRCh38, 1-based): chr16:29,987,022, C>T. VCF-style: chr16-29987022-C-T. GRCh37 (hg19) VCF-style: chr16-29998343-C-T.
Other names: c.2411C>T, p.Pro804Leu (NM_001252043.2); c.2232+518C>T (NM_004783.4); short protein forms P804L, P917L.
Identifiers: ClinVar variation 1473094 (VCV001473094.6), dbSNP rs2150904555, ClinGen allele CA395494410.